The following is an entry in ClinVar:

ClinVar aggregate classification (germline): Uncertain significance (1 of 4 stars; one submission).

Conditions:
Pseudohypoaldosteronism type 2C (PHA2C). Also called: Pseudohypoaldosteronism Type IIC. Identifiers: Orphanet 757, Orphanet 88940, MedGen C1840391, MONDO:0013778, OMIM 614492.
Neuropathy, hereditary sensory and autonomic, type 2A (HSAN2A). Also called: ACROOSTEOLYSIS, GIACCAI TYPE; ACROOSTEOLYSIS, NEUROGENIC; MORVAN DISEASE; NEUROPATHY, CONGENITAL SENSORY; NEUROPATHY, HEREDITARY SENSORY RADICULAR, AUTOSOMAL RECESSIVE; NEUROPATHY, HEREDITARY SENSORY, TYPE IIA. Identifiers: Orphanet 970, MedGen C2752089, MONDO:0024309, OMIM 201300.

Allele frequency attached by ClinVar (database versions not stated): gnomAD exomes below 0.00001; TOPMed below 0.00001.

Submission:

Labcorp Genetics (formerly Invitae), Labcorp
Classification: Uncertain significance for Neuropathy, hereditary sensory and autonomic, type 2A; Pseudohypoaldosteronism type 2C. Last evaluated: 2020-01-21. Review status: criteria provided, single submitter. Criteria: Invitae Variant Classification Sherloc (09022015). Collection method: clinical testing. Allele origin: germline.
Comment: This variant has not been reported in the literature in individuals with WNK1-related conditions. In summary, the available evidence is currently insufficient to determine the role of this variant in disease. Therefore, it has been classified as a Variant of Uncertain Significance. Experimental studies and prediction algorithms are not available or were not evaluated, and the functional significance of this variant is currently unknown. This variant is not present in population databases (ExAC no frequency). This variant, c.223_225del, results in the deletion of 1 amino acid(s) of the WNK1 protein (p.Thr75del), but otherwise preserves the integrity of the reading frame.

NM_018979.4(WNK1):c.223_225del (p.Thr75del)

Gene: WNK1 (WNK lysine deficient protein kinase 1; plus strand). Cytogenetic location: 12p13.33.
Variant type: Deletion.
Coding change: c.223_225del on transcript NM_018979.4 (MANE Select); coding-DNA positions 223 to 225, 3 bases deleted (ACT; older notation c.223_225delACT).
Protein change: p.Thr75del; deletes threonine 75.
Molecular consequence: inframe deletion.
Genome position (GRCh38, 1-based): chr12:753,788-753,790, ACT deleted. VCF-style (leftmost placement, unchanged base first): chr12-753787-CACT-C. GRCh37 (hg19) VCF-style: chr12-862953-CACT-C.
Other names: c.223_225del, p.Thr75del (NM_001184985.2, NM_014823.3, NM_213655.5); short protein forms T75del.
Identifiers: ClinVar variation 1022987 (VCV001022987.7), dbSNP rs1286586421, ClinGen allele CA603036535.